The following is an entry in ClinVar:

ClinVar aggregate classification (germline): Uncertain significance (1 of 4 stars; one submission).

Conditions:
Hereditary cancer-predisposing syndrome. Also called: Neoplastic Syndromes, Hereditary; Tumor predisposition; Hereditary neoplastic syndrome; Hereditary Cancer Syndrome. Identifiers: Orphanet 140162, MedGen C0027672, MeSH D009386, MONDO:0015356.

Submission:

Ambry Genetics
Classification: Uncertain significance for Hereditary cancer-predisposing syndrome. Last evaluated: 2022-12-12. Review status: criteria provided, single submitter. Criteria: Ambry Variant Classification Scheme 2023. Collection method: clinical testing. Allele origin: germline.
Comment: The p.L831V variant (also known as c.2491C>G), located in coding exon 10 of the MET gene, results from a C to G substitution at nucleotide position 2491. The leucine at codon 831 is replaced by valine, an amino acid with highly similar properties. This amino acid position is conserved. In addition, this alteration is predicted to be tolerated by in silico analysis. Since supporting evidence is limited at this time, the clinical significance of this alteration remains unclear.

NM_000245.4(MET):c.2437C>G (p.Leu813Val)

Gene: MET (MET proto-oncogene, receptor tyrosine kinase; plus strand). Cytogenetic location: 7q31.2.
Variant type: single nucleotide variant.
Coding change: c.2437C>G on transcript NM_000245.4 (MANE Select); coding-DNA position 2437, C replaced by G.
Protein change: p.Leu813Val; replaces leucine 813 with valine.
Molecular consequence: missense variant.
Genome position (GRCh38, 1-based): chr7:116,763,122, C>G. VCF-style: chr7-116763122-C-G. GRCh37 (hg19) VCF-style: chr7-116403176-C-G.
Other names: c.2491C>G, p.Leu831Val (NM_001127500.3); c.2437C>G, p.Leu813Val (NM_001324401.3); c.1147C>G, p.Leu383Val (NM_001324402.2); short protein forms L383V, L813V, L831V.
Identifiers: ClinVar variation 2453387 (VCV002453387.2), dbSNP rs745345346, ClinGen allele CA368983187.